The following is an entry in ClinVar:

ClinVar aggregate classification (germline): Uncertain significance (1 of 4 stars; one submission).

Submission:

Labcorp Genetics (formerly Invitae), Labcorp
Classification: Uncertain significance. Last evaluated: 2021-05-25. Review status: criteria provided, single submitter. Criteria: Invitae Variant Classification Sherloc (09022015). Collection method: clinical testing. Allele origin: germline.
Comment: In summary, the available evidence is currently insufficient to determine the role of this variant in disease. Therefore, it has been classified as a Variant of Uncertain Significance. Algorithms developed to predict the effect of missense changes on protein structure and function output the following: SIFT: "Tolerated"; PolyPhen-2: "Benign"; Align-GVGD: "Class C0". The glycine amino acid residue is found in multiple mammalian species, suggesting that this missense change does not adversely affect protein function. These predictions have not been confirmed by published functional studies and their clinical significance is uncertain. This variant has not been reported in the literature in individuals with CD46-related conditions. This variant is not present in population databases (ExAC no frequency). This sequence change replaces valine with glycine at codon 363 of the CD46 protein (p.Val363Gly). The valine residue is weakly conserved and there is a moderate physicochemical difference between valine and glycine.

NM_172351.3(CD46):c.1043T>G (p.Val348Gly)

Gene: CD46 (CD46 molecule; plus strand). Cytogenetic location: 1q32.2.
Variant type: single nucleotide variant.
Coding change: c.1043T>G on transcript NM_172351.3 (MANE Select); coding-DNA position 1043, T replaced by G.
Protein change: p.Val348Gly; replaces valine 348 with glycine.
Molecular consequence: missense variant. On other transcripts: intron variant (2).
Genome position (GRCh38, 1-based): chr1:207,785,643, T>G. VCF-style: chr1-207785643-T-G. GRCh37 (hg19) VCF-style: chr1-207958988-T-G.
Other names: c.956T>G, p.Val319Gly (NM_172361.3, NM_172357.3); c.1019-13T>G (NM_172358.3); c.973+537T>G (NM_172350.3); c.1088T>G, p.Val363Gly (NM_002389.4, NM_172359.3); c.1043T>G, p.Val348Gly (NM_153826.4); c.998T>G, p.Val333Gly (NM_172352.3, NM_172353.3); c.1001T>G, p.Val334Gly (NM_172355.3, NM_172356.3); short protein forms V333G, V348G, V363G, V319G, V334G.
Identifiers: ClinVar variation 1448785 (VCV001448785.8), dbSNP rs2102689798, ClinGen allele CA344552854.
Genomic context (GRCh38, chr1:207,785,643, plus strand): 5'-AGAATTATATGTCATTTGTTTCCTGGTTTCTTATAGTTGTTGGAGTTGCAGTAATTTGTG[T>G]TGTCCCGTACAGATATCTTCAAAGGAGGAAGAAGAAAGGGTAAATTAAAGCATGTTTCTT-3'
Protein context (NP_758861.1, residues 338-358): AIVVGVAVIC[Val348Gly]VPYRYLQRRK